The following is an entry in ClinVar:

NM_152383.5(DIS3L2):c.352G>A (p.Glu118Lys)

Gene: DIS3L2 (DIS3 like 3'-5' exoribonuclease 2; plus strand). Cytogenetic location: 2q37.1.
Variant type: single nucleotide variant.
Coding change: c.352G>A on transcript NM_152383.5 (MANE Select); coding-DNA position 352, G replaced by A.
Protein change: p.Glu118Lys; replaces glutamic acid 118 with lysine.
Molecular consequence: missense variant. On other transcripts: non-coding transcript variant (2).
Genome position (GRCh38, 1-based): chr2:232,030,066, G>A. VCF-style: chr2-232030066-G-A. GRCh37 (hg19) VCF-style: chr2-232894776-G-A.
Other names: c.352G>A, p.Glu118Lys (NM_001257281.2, NM_001257282.2); short protein forms E118K.
Identifiers: ClinVar variation 654376 (VCV000654376.10), dbSNP rs754512238, ClinGen allele CA2163799.
Genomic context (GRCh38, chr2:232,030,066, plus strand): 5'-GGGGTTGTTGCTCGTAATAGAGCCTTAAATGGGGATCTGGTGGTCGTGAAACTGCTTCCC[G>A]AGGAGCATTGGAAGGTGAGTTAAGTTTTCCCTTTCTAATTACAGATTTCTTAGGGTCTTT-3'
Protein context (NP_689596.4, residues 108-128): GDLVVVKLLP[Glu118Lys]EHWKVVKPES

ClinVar aggregate classification (germline): Uncertain significance (1 of 4 stars; one submission).

Conditions:
Perlman syndrome (PRLMNS). Identifiers: Orphanet 2849, MedGen C0796113, MONDO:0009965, OMIM 267000.

Allele frequency attached by ClinVar (database versions not stated): gnomAD exomes 0.00001 and below 0.00001; TOPMed below 0.00001; ExAC 0.00001; gnomAD 0.00001.
gnomAD v4.1: 9 of 1,611,190 alleles (0.00056%); highest among the groups gnomAD compares: East Asian, 0.013%; no homozygotes.

Submission:

Labcorp Genetics (formerly Invitae), Labcorp
Classification: Uncertain significance for Perlman syndrome. Last evaluated: 2024-04-29. Review status: criteria provided, single submitter. Criteria: Invitae Variant Classification Sherloc (09022015). Collection method: clinical testing. Allele origin: germline.
Comment: This sequence change replaces glutamic acid, which is acidic and polar, with lysine, which is basic and polar, at codon 118 of the DIS3L2 protein (p.Glu118Lys). This variant is present in population databases (rs754512238, gnomAD 0.007%). This variant has not been reported in the literature in individuals affected with DIS3L2-related conditions. ClinVar contains an entry for this variant (Variation ID: 654376). Advanced modeling of protein sequence and biophysical properties (such as structural, functional, and spatial information, amino acid conservation, physicochemical variation, residue mobility, and thermodynamic stability) performed at Invitae indicates that this missense variant is not expected to disrupt DIS3L2 protein function with a negative predictive value of 80%. In summary, the available evidence is currently insufficient to determine the role of this variant in disease. Therefore, it has been classified as a Variant of Uncertain Significance.